The following is an entry in ClinVar:

NM_006231.4(POLE):c.4994C>T (p.Ser1665Phe)

Gene: POLE (DNA polymerase epsilon, catalytic subunit; minus strand). Cytogenetic location: 12q24.33.
Variant type: single nucleotide variant.
Coding change: c.4994C>T on transcript NM_006231.4 (MANE Select); coding-DNA position 4994, C replaced by T.
Protein change: p.Ser1665Phe; replaces serine 1665 with phenylalanine.
Molecular consequence: missense variant.
Genome position (GRCh38, 1-based): chr12:132,642,356, G>A on the plus strand (C>T on the coding strand, the complement: POLE is on the minus strand). VCF-style: chr12-132642356-G-A. GRCh37 (hg19) VCF-style: chr12-133218942-G-A.
Other names: short protein forms S1665F.
Identifiers: ClinVar variation 568969 (VCV000568969.9), dbSNP rs1565937052, ClinGen allele CA387377477.
Genomic context (GRCh38, chr12:132,642,356, plus strand): 5'-CAGAGCAGGTGGTTGTGGCGCTGGAGGTGGCGGGCAAAGAAGAGGTCGGAGCCGAATGTG[G>A]AGATGTCCTCTGGTAGGTTCCCAATGGGAATGTGAAAGTACCTGCACCAGGGCACAGGTC-3'
Protein context (NP_006222.2, residues 1655-1675): IPIGNLPEDI[Ser1665Phe]TFGSDLFFAR

ClinVar aggregate classification (germline): Uncertain significance. Review status: criteria provided, multiple submitters, no conflicts (2 of 4 stars). 2 submissions from 2 submitters: Uncertain significance (2). Last evaluated 2025-09-20.

Conditions:
Hereditary cancer-predisposing syndrome. Also called: Neoplastic Syndromes, Hereditary; Tumor predisposition; Hereditary neoplastic syndrome; Hereditary Cancer Syndrome. Identifiers: Orphanet 140162, MedGen C0027672, MeSH D009386, MONDO:0015356.

Allele frequency attached by ClinVar (database versions not stated): TOPMed below 0.00001; gnomAD exomes 0.00001.
gnomAD v4.1: 7 of 1,587,624 alleles (0.00044%); highest among the groups gnomAD compares: Non-Finnish European, 0.0006%; no homozygotes.

Submissions (2):

Ambry Genetics
Classification: Uncertain significance for Hereditary cancer-predisposing syndrome. Last evaluated: 2025-09-20. Review status: criteria provided, single submitter. Criteria: Ambry Variant Classification Scheme 2023. Collection method: clinical testing. Allele origin: germline.
Comment: The p.S1665F variant (also known as c.4994C>T), located in coding exon 38 of the POLE gene, results from a C to T substitution at nucleotide position 4994. The serine at codon 1665 is replaced by phenylalanine, an amino acid with highly dissimilar properties. This amino acid position is conserved. In addition, the in silico prediction for this alteration is inconclusive. Since supporting evidence is limited at this time, the clinical significance of this alteration remains unclear.

Labcorp Genetics (formerly Invitae), Labcorp
Classification: Uncertain significance. Last evaluated: 2024-04-13. Review status: criteria provided, single submitter. Criteria: Invitae Variant Classification Sherloc (09022015). Collection method: clinical testing. Allele origin: germline.
Comment: This sequence change replaces serine, which is neutral and polar, with phenylalanine, which is neutral and non-polar, at codon 1665 of the POLE protein (p.Ser1665Phe). This variant is not present in population databases (gnomAD no frequency). This variant has not been reported in the literature in individuals affected with POLE-related conditions. ClinVar contains an entry for this variant (Variation ID: 568969). Advanced modeling of protein sequence and biophysical properties (such as structural, functional, and spatial information, amino acid conservation, physicochemical variation, residue mobility, and thermodynamic stability) performed at Invitae indicates that this missense variant is not expected to disrupt POLE protein function with a negative predictive value of 80%. In summary, the available evidence is currently insufficient to determine the role of this variant in disease. Therefore, it has been classified as a Variant of Uncertain Significance.